The following is an entry in ClinVar:

NM_032229.3(SLITRK6):c.132G>A (p.Met44Ile)

Gene: SLITRK6 (SLIT and NTRK like family member 6; minus strand). Cytogenetic location: 13q31.1.
Variant type: single nucleotide variant.
Coding change: c.132G>A on transcript NM_032229.3 (MANE Select); coding-DNA position 132, G replaced by A.
Protein change: p.Met44Ile; replaces methionine 44 with isoleucine.
Molecular consequence: missense variant.
Genome position (GRCh38, 1-based): chr13:85,796,377, C>T on the plus strand (G>A on the coding strand, the complement: SLITRK6 is on the minus strand). VCF-style: chr13-85796377-C-T. GRCh37 (hg19) VCF-style: chr13-86370512-C-T.
Other names: c.132G>A (NM_032229.2); short protein forms M44I.
Identifiers: ClinVar variation 1905101 (VCV001905101.4), dbSNP rs548291854, ClinGen allele CA7015322.

ClinVar aggregate classification (germline): Uncertain significance. Review status: criteria provided, multiple submitters, no conflicts (2 of 4 stars). 2 submissions from 2 submitters: Uncertain significance (2). Last evaluated 2024-09-10.

Conditions:
Inborn genetic diseases. Identifiers: MedGen C0950123, MeSH D030342.

Allele frequency attached by ClinVar (database versions not stated): ExAC 0.00002; gnomAD exomes 0.00002; gnomAD 0.00003; TOPMed 0.00004; 1000 Genomes Project 30x 0.00016; 1000 Genomes Project 0.00020.
gnomAD v4.1: 33 of 1,612,650 alleles (0.002%); highest among the groups gnomAD compares: East Asian, 0.069%; no homozygotes.

Submissions (2):

Ambry Genetics
Classification: Uncertain significance for Inborn genetic diseases. Last evaluated: 2024-09-10. Review status: criteria provided, single submitter. Criteria: Ambry Variant Classification Scheme 2023. Collection method: clinical testing. Allele origin: germline.

Labcorp Genetics (formerly Invitae), Labcorp
Classification: Uncertain significance. Last evaluated: 2022-04-08. Review status: criteria provided, single submitter. Criteria: Invitae Variant Classification Sherloc (09022015). Collection method: clinical testing. Allele origin: germline.
Comment: This sequence change replaces methionine, which is neutral and non-polar, with isoleucine, which is neutral and non-polar, at codon 44 of the SLITRK6 protein (p.Met44Ile). This variant is present in population databases (rs548291854, gnomAD 0.05%). This variant has not been reported in the literature in individuals affected with SLITRK6-related conditions. Algorithms developed to predict the effect of missense changes on protein structure and function output the following: SIFT: "Tolerated"; PolyPhen-2: "Benign"; Align-GVGD: "Class C0". The isoleucine amino acid residue is found in multiple mammalian species, which suggests that this missense change does not adversely affect protein function. In summary, the available evidence is currently insufficient to determine the role of this variant in disease. Therefore, it has been classified as a Variant of Uncertain Significance.